The following is an entry in ClinVar:

ClinVar aggregate classification (germline): Benign (0 of 4 stars; one submission).

Conditions:
EPPK1-related disorder. Also called: EPPK1-related condition.

Allele frequency attached by ClinVar (database versions not stated): 1000 Genomes Project 0.53454; 1000 Genomes Project 30x 0.54216; TOPMed 0.63267; gnomAD 0.63297; ExAC 0.63614; ESP Exome Variant Server 0.65624; gnomAD exomes 0.67382.
gnomAD v4.1: 1,075,937 of 1,607,362 alleles (67%); highest among the groups gnomAD compares: Middle Eastern, 70%; 365,011 homozygotes.

Submission:

PreventionGenetics, part of Exact Sciences
Classification: Benign for EPPK1-related condition. Last evaluated: 2021-04-12. Review status: no assertion criteria provided. Collection method: clinical testing. Allele origin: germline.
Comment: This variant is classified as benign based on ACMG/AMP sequence variant interpretation guidelines (Richards et al. 2015 PMID: 25741868, with internal and published modifications).

NM_031308.4(EPPK1):c.3246A>G (p.Glu1082=)

Gene: EPPK1 (epiplakin 1; minus strand). Cytogenetic location: 8q24.3.
Variant type: single nucleotide variant.
Coding change: c.3246A>G on transcript NM_031308.4 (MANE Select); coding-DNA position 3246, A replaced by G.
Protein change: p.Glu1082=; no amino-acid change (glutamic acid 1082 retained).
Molecular consequence: synonymous variant.
Genome position (GRCh38, 1-based): chr8:143,870,008, T>C on the plus strand (A>G on the coding strand, the complement: EPPK1 is on the minus strand). VCF-style: chr8-143870008-T-C. GRCh37 (hg19) VCF-style: chr8-144944176-T-C.
Identifiers: ClinVar variation 3035617 (VCV003035617.2), dbSNP rs12542653, ClinGen allele CA4922827.